The following is an entry in ClinVar:

NM_001148.6(ANK2):c.11813A>C (p.Lys3938Thr)

Gene: ANK2 (ankyrin 2; plus strand). Cytogenetic location: 4q26.
Variant type: single nucleotide variant.
Coding change: c.11813A>C on transcript NM_001148.6 (MANE Select); coding-DNA position 11813, A replaced by C.
Protein change: p.Lys3938Thr; replaces lysine 3938 with threonine.
Molecular consequence: missense variant. On other transcripts: intron variant (9).
Genome position (GRCh38, 1-based): chr4:113,373,403, A>C. VCF-style: chr4-113373403-A-C. GRCh37 (hg19) VCF-style: chr4-114294559-A-C.
Other names: c.5531A>C, p.Lys1844Thr (NM_001127493.3); c.5570A>C, p.Lys1857Thr (NM_001354225.2); c.5552A>C, p.Lys1851Thr (NM_001354228.2); c.5537A>C, p.Lys1846Thr (NM_001354230.2); c.5693A>C, p.Lys1898Thr (NM_001354231.2); c.5687A>C, p.Lys1896Thr (NM_001354232.2); c.5648A>C, p.Lys1883Thr (NM_001354235.2); c.5456A>C, p.Lys1819Thr (NM_001354236.2); and 50 more; short protein forms K1029T, K1036T, K1041T, K1692T, K1725T, K1753T, K1758T, K1766T.
Identifiers: ClinVar variation 1321125 (VCV001321125.5), dbSNP rs568549084, ClinGen allele CA357943773.

ClinVar aggregate classification (germline): Uncertain significance. Review status: criteria provided, multiple submitters, no conflicts (2 of 4 stars). 3 submissions from 3 submitters: Uncertain significance (3). Last evaluated 2025-08-03.

Conditions:
Long QT syndrome (LQTS). Identifiers: MedGen C0023976, MeSH D008133, MONDO:0002442. Disease mechanism: loss of function. Inheritance: Various modes of inheritance.
Cardiovascular phenotype. Identifiers: MedGen CN230736.

Submissions (3):

Labcorp Genetics (formerly Invitae), Labcorp
Classification: Uncertain significance for Long QT syndrome. Last evaluated: 2025-08-03. Review status: criteria provided, single submitter. Criteria: Invitae Variant Classification Sherloc (09022015). Collection method: clinical testing. Allele origin: germline.
Comment: This sequence change replaces lysine, which is basic and polar, with threonine, which is neutral and polar, at codon 3938 of the ANK2 protein (p.Lys3938Thr). This variant is not present in population databases (gnomAD no frequency). This variant has not been reported in the literature in individuals affected with ANK2-related conditions. ClinVar contains an entry for this variant (Variation ID: 1321125). Invitae Evidence Modeling of protein sequence and biophysical properties (such as structural, functional, and spatial information, amino acid conservation, physicochemical variation, residue mobility, and thermodynamic stability) indicates that this missense variant is not expected to disrupt ANK2 protein function with a negative predictive value of 80%. In summary, the available evidence is currently insufficient to determine the role of this variant in disease. Therefore, it has been classified as a Variant of Uncertain Significance.

Ambry Genetics
Classification: Uncertain significance for Cardiovascular phenotype. Last evaluated: 2021-08-14. Review status: criteria provided, single submitter. Criteria: Ambry Variant Classification Scheme 2023. Collection method: clinical testing. Allele origin: germline.
Comment: The p.K3938T variant (also known as c.11813A>C), located in coding exon 45 of the ANK2 gene, results from an A to C substitution at nucleotide position 11813. The lysine at codon 3938 is replaced by threonine, an amino acid with similar properties. This amino acid position is well conserved in available vertebrate species. In addition, the in silico prediction for this alteration is inconclusive. Since supporting evidence is limited at this time, the clinical significance of this alteration remains unclear.

GeneDx
Classification: Uncertain significance. Last evaluated: 2019-03-26. Review status: criteria provided, single submitter. Criteria: GeneDx Variant Classification Process June 2021. Collection method: clinical testing. Allele origin: germline. Affected: yes.
Comment: Not observed in large population cohorts (Lek et al., 2016); In silico analysis, which includes protein predictors and evolutionary conservation, supports a deleterious effect; Has not been previously published as pathogenic or benign to our knowledge